The following is an entry in ClinVar:

NM_025114.4(CEP290):c.1987A>G (p.Lys663Glu)

Gene: CEP290 (centrosomal protein 290; minus strand). Cytogenetic location: 12q21.32.
Variant type: single nucleotide variant.
Coding change: c.1987A>G on transcript NM_025114.4 (MANE Select); coding-DNA position 1987, A replaced by G.
Protein change: p.Lys663Glu; replaces lysine 663 with glutamic acid.
Molecular consequence: missense variant.
Genome position (GRCh38, 1-based): chr12:88,114,485, T>C on the plus strand (A>G on the coding strand, the complement: CEP290 is on the minus strand). VCF-style: chr12-88114485-T-C. GRCh37 (hg19) VCF-style: chr12-88508262-T-C.
Other names: short protein forms K663E.
Identifiers: ClinVar variation 2152401 (VCV002152401.4), dbSNP rs2038919221, ClinGen allele CA385976858.

ClinVar aggregate classification (germline): Uncertain significance (1 of 4 stars; one submission).

Conditions:
Joubert syndrome. Also called: CEREBELLOPARENCHYMAL DISORDER IV; JOUBERT-BOLTSHAUSER SYNDROME; Familial aplasia of the vermis. Identifiers: Orphanet 475, MedGen C5979921, MONDO:0018772.
Nephronophthisis. Also called: Juvenile Nephronophthisis. Identifiers: Orphanet 655, MedGen C0687120, MONDO:0019005, HP:0000090.
Meckel-Gruber syndrome. Also called: DYSENCEPHALIA SPLANCHNOCYSTICA; GRUBER SYNDROME; Dysencephalia splachnocystica. Identifiers: Orphanet 564, MedGen C0265215, MONDO:0018921.

Submission:

Labcorp Genetics (formerly Invitae), Labcorp
Classification: Uncertain significance for Joubert syndrome; Meckel-Gruber syndrome; Nephronophthisis. Last evaluated: 2023-10-13. Review status: criteria provided, single submitter. Criteria: Invitae Variant Classification Sherloc (09022015). Collection method: clinical testing. Allele origin: germline.
Comment: This sequence change replaces lysine, which is basic and polar, with glutamic acid, which is acidic and polar, at codon 663 of the CEP290 protein (p.Lys663Glu). This variant is not present in population databases (gnomAD no frequency). This variant has not been reported in the literature in individuals affected with CEP290-related conditions. ClinVar contains an entry for this variant (Variation ID: 2152401). Advanced modeling of protein sequence and biophysical properties (such as structural, functional, and spatial information, amino acid conservation, physicochemical variation, residue mobility, and thermodynamic stability) performed at Invitae indicates that this missense variant is not expected to disrupt CEP290 protein function. In summary, the available evidence is currently insufficient to determine the role of this variant in disease. Therefore, it has been classified as a Variant of Uncertain Significance.